The following is an entry in ClinVar:

ClinVar aggregate classification (germline): Conflicting classifications of pathogenicity. Review status: criteria provided, conflicting classifications (1 of 4 stars). 3 submissions from 3 submitters: Uncertain significance (1); Likely benign (1). 1 of the submissions does not count toward it. Last evaluated 2024-10-31.

Conditions:
FAM83H-related disorder. Also called: FAM83H-related condition.
Inborn genetic diseases. Identifiers: MedGen C0950123, MeSH D030342.

Allele frequency attached by ClinVar (database versions not stated): ExAC 0.00029; 1000 Genomes Project 0.00040; 1000 Genomes Project 30x 0.00062.
gnomAD v4.1: 847 of 1,548,702 alleles (0.055%); highest among the groups gnomAD compares: Non-Finnish European, 0.069%; 1 homozygote.

Submissions (3):

Blueprint Genetics
Classification: Likely benign. Last evaluated: 2024-10-31. Review status: criteria provided, single submitter. Criteria: ACMG Guidelines, 2015. Collection method: clinical testing. Allele origin: germline.

Ambry Genetics
Classification: Uncertain significance for Inborn genetic diseases. Last evaluated: 2024-07-14. Review status: criteria provided, single submitter. Criteria: Ambry Variant Classification Scheme 2023. Collection method: clinical testing. Allele origin: germline.

PreventionGenetics, part of Exact Sciences
Classification: Likely benign for FAM83H-related condition. Last evaluated: 2022-06-23. Review status: no assertion criteria provided. Collection method: clinical testing. Allele origin: germline. Not counted in ClinVar's aggregate classification.
Comment: This variant is classified as likely benign based on ACMG/AMP sequence variant interpretation guidelines (Richards et al. 2015 PMID: 25741868, with internal and published modifications).

NM_198488.5(SACK1H):c.1037C>A (p.Pro346Gln)

Gene: SACK1H (scaffolding CK1 anchoring protein H; minus strand). Cytogenetic location: 8q24.3.
Variant type: single nucleotide variant.
Coding change: c.1037C>A on transcript NM_198488.5 (MANE Select); coding-DNA position 1037, C replaced by A.
Protein change: p.Pro346Gln; replaces proline 346 with glutamine.
Molecular consequence: missense variant.
Genome position (GRCh38, 1-based): chr8:143,728,424, G>T on the plus strand (C>A on the coding strand, the complement: SACK1H is on the minus strand). VCF-style: chr8-143728424-G-T. GRCh37 (hg19) VCF-style: chr8-144810594-G-T.
Other names: short protein forms P346Q.
Identifiers: ClinVar variation 3036680 (VCV003036680.4), dbSNP rs536088856, ClinGen allele CA4917534.
Genomic context (GRCh38, chr8:143,728,424, plus strand): 5'-GCGCCCCCCGGCATCCGCGGCGGCTCCTCCCGGCGGAAGGCCGACAGGAAGTGGCGGTCC[G>T]GGTCGAGGAAGGAGGGGAAGCCCAGGCCCTCTTCCCGGGGTGGCGGGAACAGGAGGTGCG-3'
Protein context (NP_940890.4, residues 336-356): EGLGFPSFLD[Pro346Gln]DRHFLSAFRR